The following is an entry in ClinVar:

ClinVar aggregate classification (germline): Pathogenic (1 of 4 stars; one submission).

Submission:

Quest Diagnostics Nichols Institute San Juan Capistrano
Classification: Pathogenic. Last evaluated: 2023-04-03. Review status: criteria provided, single submitter. Criteria: ACMG/ClinGen CNV Guidelines, 2019. Collection method: clinical testing. Allele origin: unknown.
Comment: This copy number gain is associated with the proximal (LCR22 A-D) 22q11.2 duplication syndrome (OMIM 608363). De novo and inherited duplications of this locus have been associated with a broad range of features (Wenger et al. Mol Autism. 2016 May 6;7:27. PMID: 27158440). Some carriers have no discernable clinical phenotype. See GeneReviews for additional information and references

GRCh37/hg19 22q11.21(chr22:19533622-19938011)x3

Genes: COMT (catechol-O-methyltransferase; plus strand), GNB1L (G protein subunit beta 1 like; minus strand), GP1BB (glycoprotein Ib platelet subunit beta; plus strand), RTL10 (retrotransposon Gag like 10; minus strand), SEPTIN5 (septin 5; plus strand) and 2 more. Cytogenetic location: 22q11.21.
Variant type: copy number gain.
Change: copy number 3 (three copies instead of two) of chr22:19,533,622-19,938,011 (404.4 kb, GRCh37 coordinates, 1-based), cytogenetic band 22q11.21.
Identifiers: ClinVar variation 2684929 (VCV002684929.1).